The following is an entry in ClinVar:

NM_005228.5(EGFR):c.1208-10T>G

Gene: EGFR (epidermal growth factor receptor; plus strand). Cytogenetic location: 7p11.2.
Variant type: single nucleotide variant.
Coding change: c.1208-10T>G on transcript NM_005228.5 (MANE Select); 10 bases into the intron before coding-DNA position 1208, T replaced by G.
Molecular consequence: intron variant.
Genome position (GRCh38, 1-based): chr7:55,157,653, T>G. VCF-style: chr7-55157653-T-G. GRCh37 (hg19) VCF-style: chr7-55225346-T-G.
Other names: c.1073-10T>G (NM_001346899.2, NM_001346897.2); c.407-10T>G (NM_001346941.2); c.1208-10T>G (NM_001346898.2, NM_201284.2, NM_201282.2); c.1049-10T>G (NM_001346900.2).
Identifiers: ClinVar variation 4727513 (VCV004727513.1).

ClinVar aggregate classification (germline): Uncertain significance (1 of 4 stars; one submission).

Conditions:
EGFR-related lung cancer (EGFR). Identifiers: MedGen CN130014.

Submission:

Labcorp Genetics (formerly Invitae), Labcorp
Classification: Uncertain significance for EGFR-related lung cancer. Last evaluated: 2025-09-20. Review status: criteria provided, single submitter. Criteria: Invitae Variant Classification Sherloc (09022015). Collection method: clinical testing. Allele origin: germline.
Comment: This sequence change falls in intron 10 of the EGFR gene. It does not directly change the encoded amino acid sequence of the EGFR protein. This variant is not present in population databases (gnomAD no frequency). This variant has not been reported in the literature in individuals affected with EGFR-related conditions. Algorithms developed to predict the effect of sequence changes on RNA splicing suggest that this variant may disrupt the consensus splice site. In summary, the available evidence is currently insufficient to determine the role of this variant in disease. Therefore, it has been classified as a Variant of Uncertain Significance.